The following is an entry in ClinVar:

ClinVar aggregate classification (germline): Uncertain significance (1 of 4 stars; one submission).

Conditions:
PLXNA4-related disorder. Also called: PLXNA4-related condition.

Allele frequency attached by ClinVar (database versions not stated): ESP Exome Variant Server 0.00008; gnomAD 0.00009; gnomAD exomes 0.00013; TOPMed 0.00015; ExAC 0.00016.
gnomAD v4.1: 207 of 1,614,086 alleles (0.013%); highest among the groups gnomAD compares: Middle Eastern, 0.099%; no homozygotes.

Submission:

PreventionGenetics, part of Exact Sciences
Classification: Uncertain significance for PLXNA4-related condition. Last evaluated: 2025-08-12. Review status: criteria provided, single submitter. Criteria: ACMG Guidelines, 2015. Collection method: clinical testing. Allele origin: germline.
Comment: The PLXNA4 c.5611G>A variant is predicted to result in the amino acid substitution p.Asp1871Asn. To our knowledge, this variant has not been reported in the literature. This variant is reported in 0.021% of alleles in individuals of European (Non-Finnish) descent in gnomAD. At this time, the clinical significance of this variant is uncertain due to the absence of conclusive functional and genetic evidence.

NM_020911.2(PLXNA4):c.5611G>A (p.Asp1871Asn)

Gene: PLXNA4 (plexin A4; minus strand). Cytogenetic location: 7q32.3.
Variant type: single nucleotide variant.
Coding change: c.5611G>A on transcript NM_020911.2 (MANE Select); coding-DNA position 5611, G replaced by A.
Protein change: p.Asp1871Asn; replaces aspartic acid 1871 with asparagine.
Molecular consequence: missense variant.
Genome position (GRCh38, 1-based): chr7:132,130,553, C>T on the plus strand (G>A on the coding strand, the complement: PLXNA4 is on the minus strand). VCF-style: chr7-132130553-C-T. GRCh37 (hg19) VCF-style: chr7-131815312-C-T.
Other names: c.5611G>A, p.Asp1871Asn (NM_001393897.1); short protein forms D1871N.
Identifiers: ClinVar variation 2634045 (VCV002634045.4), dbSNP rs201799383, ClinGen allele CA4488838.
Genomic context (GRCh38, chr7:132,130,553, plus strand): 5'-TCATGAGGGTTATGACTTGTTCTAGTTTGTAGGCCAGTTTCTGCTTCCCACACTGGTCAT[C>T]GTGGTCCAGAGGTCCAAGGATCTGCGGAAGGGCCAAGAACAGGGAGATTACTCATTTGTG-3'
Protein context (NP_065962.1, residues 1861-1881): SEEILGPLDH[Asp1871Asn]DQCGKQKLAY